The following continues an entry in ClinVar:

NM_000243.3(MEFV):c.1223G>A (p.Arg408Gln)

Gene: MEFV. ClinVar aggregate classification (germline): Conflicting classifications of pathogenicity. Likely pathogenic (1); Uncertain significance (10); Benign (2); Likely benign (6).

Submissions 16 to 31 of 34:

Ambry Genetics
Classification: Uncertain significance for Inborn genetic diseases. Last evaluated: 2017-03-11. Review status: criteria provided, single submitter. Criteria: Ambry Variant Classification Scheme 2023. Collection method: clinical testing. Allele origin: germline.
Comment: The p.R408Q variant (also known as c.1223G>A), located in coding exon 3 of the MEFV gene, results from a G to A substitution at nucleotide position 1223. The arginine at codon 408 is replaced by glutamine, an amino acid with highly similar properties. This variant is often seen in cis with p.P369S, and has been identified in individuals with typical and atypical familial Mediterranean fever (FMF) as well as in healthy controls (Cazeneuve C et al. Am. J. Hum. Genet., 1999 Jul;65:88-97; Feng J et al. PLoS ONE, 2009 Dec;4:e8480; Ryan JG et al. Ann. Rheum. Dis., 2010 Jul;69:1383-8; Migita K et al. Medicine (Baltimore), 2014 May;93:158-64). The p.P369S and p.R408Q variants were found to be in strong linkage disequilibrium; genetic and functional data suggest that the p.[P369S; R408Q] complex allele is unlikely to represent a classic FMF disease-associated mutation, and is more likely to be a high frequency low-penetrance mutation (Ryan JG et al. Ann. Rheum. Dis., 2010 Jul;69:1383-8; Migita K et al. Medicine (Baltimore), 2014 May;93:158-64). Based on data from ExAC, the A allele has an overall frequency of approximately 1.304% (1375/105484) total alleles studied. The highest observed frequency was 5.315% (418/7864) of East Asian alleles. This amino acid position is poorly conserved in available vertebrate species. In addition, in silico predictors for this gene do not accurately predict pathogenicity. Based on the available evidence to date, the clinical significance of this alteration remains unclear (Ryan et al. Rheum Dis. 2010;69(7):1383-8).

Center for Pediatric Genomic Medicine, Children's Mercy Hospital and Clinics
Classification: Likely benign. Last evaluated: 2015-06-02. Review status: criteria provided, single submitter. Criteria: ACMG Guidelines, 2015. Collection method: clinical testing. Allele origin: germline.
ClinVar note: Converted during submission from Likely Benign to Likely benign.

Neuberg Centre For Genomic Medicine, NCGM
Classification: Uncertain significance for Familial Mediterranean fever. Review status: criteria provided, single submitter. Criteria: ACMG Guidelines, 2015. Collection method: clinical testing. Allele origin: germline. Inheritance: Autosomal recessive inheritance. Affected: yes.
Comment: The observed missense c.688G>A (p.Glu230Lys) variant in MEFV gene has been reported previously in both homozygous and compound heterozygous states in multiple individuals affected with Familial Mediterranean fever (FMF) (Bonyadi et al., 2009; Migita et al., 2014; Hageman et al., 2019). This variant is present with the allele frequency of 1.32% in the gnomAD Exomes. This variant has been submitted to the ClinVar database as Benign/ Likely Benign/ Likely Pathogenic/ Uncertain Significance (multiple submissions). Multiple lines of computational evidence (Polyphen - Benign, SIFT - Tolerated and MutationTaster - Polymorphism) predict no damaging effect on protein structure and function for this variant. The amino acid Arg at position 408 is changed to a Gln changing protein sequence and it might alter its composition and physico-chemical properties. For these reasons, this variant has been classified as Uncertain Significance.

PreventionGenetics, part of Exact Sciences
Classification: Benign. Review status: criteria provided, single submitter. Criteria: ACMG Guidelines, 2015. Collection method: clinical testing. Allele origin: germline.

OMIM
Classification: Uncertain significance for RECLASSIFIED - VARIANT OF UNKNOWN SIGNIFICANCE. Last evaluated: 2013-01-01. Review status: no assertion criteria provided. Collection method: literature only. Allele origin: germline. Not counted in ClinVar's aggregate classification.

Department of Pathology and Laboratory Medicine, Sinai Health System
Classification: Uncertain significance. Review status: no assertion criteria provided. Collection method: clinical testing. Allele origin: unknown. Affected: yes. Study: The Canadian Open Genetics Repository (COGR). Not counted in ClinVar's aggregate classification.
Comment: The MEFV p.Arg408Gln variant is a well-studied variant in association with Familial Mediterranean Fever (FMF) and has been identified in 159 of 8198 proband chromosomes from multiple patients with the FMF phenotype (freq=0.019), however the role of this variant in disease is unclear (Cazeneuve_1999_PMID:10364520; Bonyadi_2009_PMID: 19863562; Migita_2014_PMID:24797171; Tsuchiya-Suzuki_2009_PMID:19531756; Migita_2012_PMID:22467954; De Pieri_2015_PMID:25866490; Lainka_2012_PMID:22903357; Berdeli_2011_PMID:21413889; Migita_2016_PMID:27473114). The variant was reported in dbSNP (ID: rs11466024), LOVD 3.0 and ClinVar (classified in relation to FMF as benign [Prevention Genetics, 2017], likely benign [Center for Pediatric Genomic Medicine, Children's Mercy Hospital and Clinics, 2015], Likely pathogenic [EGL Genetic Diagnostics, 2017], Pathogenic [GeneReviews, 2016], Uncertain significance [GeneDx 2017; Praxis fuer Humar 2016; Invitae 2018; Integrated Genetics/Laboratory Corporation of America 2016; OMIM 2013; Integrated Genetics/Laboratory Corporation of America 2015]). The variant was not identified in the Cosmic database. The variant was identified in control databases in 3771 of 282186 chromosomes (53 homozygous) at a frequency of 0.013364 increasing the likelihood this could be a low frequency benign variant (Genome Aggregation Database Feb 27, 2017). The variant was observed in the following populations: East Asian in 1072 of 19934 chromosomes (freq: 0.05378), Ashkenazi Jewish in 301 of 10342 chromosomes (freq: 0.0291), South Asian in 455 of 30606 chromosomes (freq: 0.01487), European (Finnish) in 363 of 25074 chromosomes (freq: 0.01448), Other in 94 of 7204 chromosomes (freq: 0.01305), European (non-Finnish) in 1175 of 128692 chromosomes (freq: 0.00913), Latino in 208 of 35416 chromosomes (freq: 0.005873), and African in 103 of 24918 chromosomes (freq: 0.004134). The R408Q variant is often found as a complex allele with the MEFV P369S variant. Bonyadi et al. (2009) identified the R408Q variant in 7/524 Azeri Turkish FMF patients as a complex allele with P369S; 4 of these patients were also compound heterozygous for another MEFV variant (Bonyadi_2009_PMID: 19863562). Migita et al. (2014) also identified the variant as a complex allele with P369S variant in 9/178 patients with typical FMF and 28/133 patients with atypical FMF; in 8 of these typical FMF and 15 of these atypical FMF patients the variant was present in the compound heterozygous state with at least one other MEFV variant (Migita_2014_PMID:24797171). A family with a severe autoinflammatory phenotype underwent testing of a 120 gene inflammasome-related panel which revealed a P369S/R408Q complex allele in the MEFV gene inherited from the father and found in both affected children as well as a T577A in the MEFV gene inherited from the affected mother and also found in both affected children (Stoffels_2014_PMID:23505238). Ryan et al. (2010) identified 35/40 symptomatic and 4 asymptomatic FMF family members with the R408Q/P369S complex allele. Functional studies of these variants did not demonstrate a significant difference from the wildtype in the ability of pyrin to bind to PSTPIP1, therefore the role of these variants in FMF and their potential functional impact is not known (Ryan_2010_PMID: 19934105). The variant occurs outside of the splicing consensus sequence however 3 of 4 in silico or computational prediction software programs (MaxEntScan, NNSPLICE, GeneSplicer) predict the creation of a new 5â€šÃ„Ã´ splice site. The p.Arg408 residue is not highly conserved in mammals and computational analyses (PolyPhen-2, SIFT, AlignGVGD, BLOSUM, MutationTaster) do not suggest a high likelihood of impact to the protein; however, this information is not predictive enough to rule out pathogenicity. In summary, based on the above information the clinical significance of this variant cannot be determined with certainty at this time. This variant is classified as a variant of uncertain significance, although we would suggest that this variant may be a low penetrant allele that can contribute to FMF in an autosomal recessive manner.

Dr. Peter K. Rogan Lab, Western University
No classification provided (evidence only). Condition: Lung cancer. Review status: no classification provided. Collection method: in vitro. Allele origin: not applicable. Functional consequence: retained intron. Not counted in ClinVar's aggregate classification.

Dr. Peter K. Rogan Lab, Western University
No classification provided (evidence only). Condition: Lung cancer. Review status: no classification provided. Collection method: in vitro. Allele origin: not applicable. Functional consequence: retained intron. Not counted in ClinVar's aggregate classification.

Dr. Peter K. Rogan Lab, Western University
No classification provided (evidence only). Condition: Colorectal cancer. Review status: no classification provided. Collection method: in vitro. Allele origin: not applicable. Functional consequence: retained intron. Not counted in ClinVar's aggregate classification.

Dr. Peter K. Rogan Lab, Western University
No classification provided (evidence only). Condition: Cervical cancer. Review status: no classification provided. Collection method: in vitro. Allele origin: not applicable. Functional consequence: retained intron. Not counted in ClinVar's aggregate classification.

Dr. Peter K. Rogan Lab, Western University
No classification provided (evidence only). Condition: Cervical cancer. Review status: no classification provided. Collection method: in vitro. Allele origin: not applicable. Functional consequence: retained intron. Not counted in ClinVar's aggregate classification.

Dr. Peter K. Rogan Lab, Western University
No classification provided (evidence only). Condition: Nonpapillary renal cell carcinoma. Review status: no classification provided. Collection method: in vitro. Allele origin: not applicable. Functional consequence: retained intron. Not counted in ClinVar's aggregate classification.

Dr. Peter K. Rogan Lab, Western University
No classification provided (evidence only). Condition: Cholangiocarcinoma. Review status: no classification provided. Collection method: in vitro. Allele origin: not applicable. Functional consequence: retained intron. Not counted in ClinVar's aggregate classification.

Dr. Peter K. Rogan Lab, Western University
No classification provided (evidence only). Condition: Ovarian serous cystadenocarcinoma. Review status: no classification provided. Collection method: in vitro. Allele origin: not applicable. Functional consequence: retained intron. Not counted in ClinVar's aggregate classification.

Dr. Peter K. Rogan Lab, Western University
No classification provided (evidence only). Condition: Uterine carcinosarcoma. Review status: no classification provided. Collection method: in vitro. Allele origin: not applicable. Functional consequence: retained intron. Not counted in ClinVar's aggregate classification.

Dr. Peter K. Rogan Lab, Western University
No classification provided (evidence only). Condition: Malignant tumor of esophagus. Review status: no classification provided. Collection method: in vitro. Allele origin: not applicable. Functional consequence: retained intron. Not counted in ClinVar's aggregate classification.